The following is an entry in ClinVar:

NM_005228.5(EGFR):c.3139G>A (p.Val1047Met)

Gene: EGFR (epidermal growth factor receptor; plus strand). Cytogenetic location: 7p11.2.
Variant type: single nucleotide variant.
Coding change: c.3139G>A on transcript NM_005228.5 (MANE Select); coding-DNA position 3139, G replaced by A.
Protein change: p.Val1047Met; replaces valine 1047 with methionine.
Molecular consequence: missense variant.
Genome position (GRCh38, 1-based): chr7:55,201,759, G>A. VCF-style: chr7-55201759-G-A. GRCh37 (hg19) VCF-style: chr7-55269452-G-A.
Other names: c.3004G>A, p.Val1002Met (NM_001346897.2, NM_001346899.2); c.3139G>A, p.Val1047Met (NM_001346898.2); c.2980G>A, p.Val994Met (NM_001346900.2); c.2338G>A, p.Val780Met (NM_001346941.2); short protein forms V1047M, V994M, V1002M, V780M.
Identifiers: ClinVar variation 360469 (VCV000360469.17), dbSNP rs142442994, ClinGen allele CA4266284.

ClinVar aggregate classification (germline): Conflicting classifications of pathogenicity. Review status: criteria provided, conflicting classifications (1 of 4 stars). 3 submissions from 3 submitters: Uncertain significance (1); Benign (1); Likely benign (1). Last evaluated 2025-12-22.

Conditions:
Hereditary cancer-predisposing syndrome. Also called: Tumor predisposition; Neoplastic Syndromes, Hereditary; Hereditary neoplastic syndrome; Hereditary Cancer Syndrome. Identifiers: Orphanet 140162, MedGen C0027672, MeSH D009386, MONDO:0015356.
EGFR-related lung cancer (EGFR). Identifiers: MedGen CN130014.

Allele frequency attached by ClinVar (database versions not stated): gnomAD exomes 0.00006 and 0.00008; gnomAD 0.00008 and 0.00007; ExAC 0.00002; TOPMed 0.00006; ESP Exome Variant Server 0.00008.
gnomAD v4.1: 122 of 1,614,056 alleles (0.0076%); highest among the groups gnomAD compares: South Asian, 0.011%; no homozygotes.

Submissions (3):

Labcorp Genetics (formerly Invitae), Labcorp
Classification: Benign for EGFR-related lung cancer. Last evaluated: 2025-12-22. Review status: criteria provided, single submitter. Criteria: Invitae Variant Classification Sherloc (09022015). Collection method: clinical testing. Allele origin: germline.

Dasa
Classification: Uncertain significance. Last evaluated: 2025-06-22. Review status: criteria provided, single submitter. Criteria: DASA Assertion Criteria. Collection method: clinical testing. Allele origin: germline.
Comment: NM_005228.5(EGFR):c.3139G>A (p.Val1047Met) is a missense variant that results in the substitution of valine with methionine. This variant is rare in population databases. Computational prediction algorithms are consistent with a benign effect. The currently available literature and clinical evidence are not sufficient to establish a definitive association between this variant and the reported condition. Therefore, this variant is classified as a variant of uncertain significance.

Ambry Genetics
Classification: Likely benign for Hereditary cancer-predisposing syndrome. Last evaluated: 2024-12-18. Review status: criteria provided, single submitter. Criteria: Ambry Variant Classification Scheme 2023. Collection method: clinical testing. Allele origin: germline.